The following is an entry in ClinVar:

NM_000092.5(COL4A4):c.4129C>T (p.Arg1377Ter)

Gene: COL4A4 (collagen type IV alpha 4 chain; minus strand). Cytogenetic location: 2q36.3.
Variant type: single nucleotide variant.
Coding change: c.4129C>T on transcript NM_000092.5 (MANE Select); coding-DNA position 4129, C replaced by T.
Protein change: p.Arg1377Ter; replaces arginine 1377 with a stop codon.
Molecular consequence: nonsense.
Genome position (GRCh38, 1-based): chr2:227,022,135, G>A on the plus strand (C>T on the coding strand, the complement: COL4A4 is on the minus strand). VCF-style: chr2-227022135-G-A. GRCh37 (hg19) VCF-style: chr2-227886851-G-A.
Other names: p.(Arg1377*); c.4129C>T (LRG_231t1); short protein forms R1377*.
Identifiers: ClinVar variation 17407 (VCV000017407.33), dbSNP rs121912861, ClinGen allele CA257919.
Genomic context (GRCh38, chr2:227,022,135, plus strand): 5'-GGAGCCCCATGGCTCCTTCTGGTCCTCTCATGCCTGGCGCCCCAGGAAGGCCTGGGATTC[G>A]GGGACAGTCATCCACATCTGCAGGTGGCCCCGGTTCACCTGAAATTGGAATCACCGCTTG-3'

ClinVar aggregate classification (germline): Pathogenic/Likely pathogenic. Review status: criteria provided, multiple submitters, no conflicts (2 of 4 stars). 18 submissions from 17 submitters: Pathogenic (13); Likely pathogenic (1). 4 of the submissions do not count toward it. Last evaluated 2026-04-24.

Conditions:
Hematuria, benign familial, 1 (BFH1). Also called: THIN MEMBRANE NEPHROPATHY. Identifiers: MedGen CN376803, MONDO:0007709, OMIM 141200.
Autosomal recessive Alport syndrome (ATS2). Also called: Alport syndrome type 2; COL4A4 Alport Syndrome and Thin Basement Membrane Nephropathy; COL4A3-Related Nephropathy; ALPORT SYNDROME 2, AUTOSOMAL RECESSIVE. Identifiers: Orphanet 63, Orphanet 88919, MedGen C4746745, MONDO:0008762, OMIM 203780.
COL4A4-related disorder.
Alport syndrome. Also called: Hemorrhagic familial nephritis; Hemorrhagic hereditary nephritis; Congenital hereditary hematuria. Identifiers: Orphanet 63, MedGen C1567741, MONDO:0018965.
Autosomal dominant Alport syndrome (ATS3A). Also called: Alport syndrome dominant type; Renal failure and sensorineural hearing loss; ALPORT SYNDROME 3A, AUTOSOMAL DOMINANT. Identifiers: Orphanet 63, Orphanet 88918, MedGen C5882663, MONDO:0007086, OMIM 104200.
Benign familial hematuria. Also called: thin basement membrane disease. Identifiers: MedGen C0241908, MONDO:0957317.
Kidney damage. Identifiers: MedGen C1408258.

Allele frequency attached by ClinVar (database versions not stated): gnomAD exomes 0.00001; TOPMed 0.00001; ExAC 0.00002.
gnomAD v4.1: 12 of 1,614,082 alleles (0.00074%); highest among the groups gnomAD compares: African/African-American, 0.0013%; no homozygotes.

Submissions 1 to 11 of 18:

Centre de Génétique Humaine, Institut de Pathologie Et de Génétique
Classification: Pathogenic for Autosomal dominant Alport syndrome. Last evaluated: 2026-04-24. Review status: criteria provided, single submitter. Criteria: ACMG Guidelines, 2015. Collection method: clinical testing. Allele origin: germline. Inheritance: Autosomal dominant inheritance. Affected: yes. Observed: 3 variant alleles, 3 heterozygotes. Clinical features observed: Microscopic hematuria (HP:0002907), Proteinuria (HP:0000093), Sensorineural hearing loss disorder (HP:0000407), Stage 3 chronic kidney disease (HP:0012625), Hypertensive disorder (HP:0000822), Multiple renal cysts (HP:0005562), Severe albuminuria (HP:0033066). Segregation with disease not observed.
Comment: Nonsense variant predicted to result in protein truncation or nonsense mediated decay in a gene for which loss-of-function is a known mechanism of disease (PVS1). This variant is rare: allelic frequency of 0.00074% in gnomAD v4.1.0 database (PM2). Described in scientific litterature in patients with AR or AD AS (PP5).

Genomic Medicine Center of Excellence, King Faisal Specialist Hospital and Research Centre
Classification: Pathogenic for Autosomal recessive Alport syndrome. Last evaluated: 2025-09-10. Review status: criteria provided, single submitter. Criteria: ACMG Guidelines, 2015. Collection method: clinical testing. Allele origin: germline.

Equipe Genetique des Anomalies du Developpement, Université de Bourgogne
Classification: Likely pathogenic for Autosomal recessive Alport syndrome. Last evaluated: 2025-08-11. Review status: criteria provided, single submitter. Criteria: ACMG Guidelines, 2015. Collection method: clinical testing. Allele origin: maternal. Affected: yes.
Comment: This is a heterozygous nonsense variant NM_000092.5:c.4129C>T p.(Arg1377Ter) in the gene COL4A4 (NC_000002.12:g.227022135G>A). This variant is present 12 times in the heterozygous state and absent in the homozygous state in the database gnomAD (v4.1.0). Monoallelic or biallelic pathogenic variants in COL4A4 are responsible for a clinical spectrum of disorders, including autosomal recessive Alport syndrome type 2 (OMIM #203780) and autosomal dominant benign familial hematuria (OMIM #141200). This variant is reported in the ClinVar database (2*) as pathogenic four times for the recessive form of Alport syndrome, twice for benign familial hematuria, and once for the dominant form of Alport syndrome. In the literature, autosomal dominant familial cases have been described with variable phenotypes ranging from isolated hematuria to proteinuria and late-onset renal involvement compatible with Alport syndrome (PMID: 25229338, 36925663). The risk of progression to end-stage renal disease in these dominant forms has been estimated at less than 3% (PMID: 39673454). This variant has also been reported in several individuals affected with the recessive form of Alport syndrome (PMID: 9792860, 29854973). According to current evidence, this variant is considered likely pathogenic (class 4, according to ACMG criteria).

Labcorp Genetics (formerly Invitae), Labcorp
Classification: Pathogenic. Last evaluated: 2025-06-12. Review status: criteria provided, single submitter. Criteria: Invitae Variant Classification Sherloc (09022015). Collection method: clinical testing. Allele origin: germline.
Comment: This sequence change creates a premature translational stop signal (p.Arg1377*) in the COL4A4 gene. It is expected to result in an absent or disrupted protein product. Loss-of-function variants in COL4A4 are known to be pathogenic (PMID: 21196518, 24854265, 25307543). This variant is present in population databases (rs121912861, gnomAD 0.01%). This premature translational stop signal has been observed in individual(s) with autosomal recessive Alport syndrome and/or thin basement membrane disease with hematuria (PMID: 9792860, 12631110). It has also been observed to segregate with disease in related individuals. ClinVar contains an entry for this variant (Variation ID: 17407). For these reasons, this variant has been classified as Pathogenic.

Natera, Inc.
Classification: Pathogenic for Alport syndrome. Last evaluated: 2025-02-26. Review status: criteria provided, single submitter. Criteria: Natera Variant Classification Schema (03/2026). Collection method: clinical testing. Allele origin: germline.
Comment: The c.4129C>T variant in COL4A4 is a nonsense variant predicted to introduce a stop codon at amino acid 1377. This variant is expected to result in nonsense mediated decay, truncation, or a dysfunctional protein product. This variant is rare in the general population with a frequency below the threshold expected for the associated phenotype(s). This variant has been observed in one or more individuals affected with the associated recessive disease, as either homozygous or compound heterozygous with a second variant (PMID: 29854973). Additionally, this variant has been observed to segregate in affected family members (PMID: 29854973). Given the available evidence, this variant is classified as Pathogenic.

Athena Diagnostics
Classification: Pathogenic. Last evaluated: 2024-11-21. Review status: criteria provided, single submitter. Criteria: Athena Diagnostics Criteria. Collection method: clinical testing. Allele origin: unknown.
Comment: This variant is expected to result in the loss of a functional protein. The frequency of this variant in the general population is consistent with pathogenicity. This variant has been identified in at least one individual with clinical features associated with this gene.

GeneDx
Classification: Pathogenic. Last evaluated: 2024-10-22. Review status: criteria provided, single submitter. Criteria: GeneDx Variant Classification Process June 2021. Collection method: clinical testing. Allele origin: germline. Affected: yes.
Comment: Nonsense variant predicted to result in protein truncation or nonsense mediated decay in a gene for which loss of function is a known mechanism of disease; Identified in a patient with thin basement membrane disease in published literature; variant reported to segregate with additional family members with hematuria but data is limited (PMID: 12631110); Not observed at significant frequency in large population cohorts (gnomAD); This variant is associated with the following publications: (PMID: 37097554, 25525159, 31589614, 33712733, 31576025, 30586318, 32939031, 29854973, 38978054, 9792860, 12631110)

Department of Human Genetics, Hannover Medical School
Classification: Pathogenic for Hematuria, benign familial, 1. Last evaluated: 2024-08-20. Review status: criteria provided, single submitter. Criteria: ACMG Guidelines, 2015. Collection method: clinical testing. Allele origin: germline. Affected: yes.

Fulgent Genetics
Classification: Pathogenic for Hematuria, benign familial, 1; Autosomal recessive Alport syndrome. Last evaluated: 2024-01-15. Review status: criteria provided, single submitter. Criteria: ACMG Guidelines, 2015. Collection method: clinical testing. Allele origin: germline.

3billion
Classification: Pathogenic for Autosomal recessive Alport syndrome. Last evaluated: 2023-09-20. Review status: criteria provided, single submitter. Criteria: ACMG Guidelines, 2015. Collection method: clinical testing. Allele origin: germline. Affected: yes.
Comment: The variant is observed at an extremely low frequency in the gnomAD v2.1.1 dataset (total allele frequency: 0.001%). Predicted Consequence/Location: Stop-gained (nonsense): predicted to result in a loss or disruption of normal protein function through nonsense-mediated decay (NMD) or protein truncation. Multiple pathogenic variants are reported downstream of the variant. The variant has been reported at least twice as pathogenic with clinical assertions and evidence for the classification (ClinVar ID: VCV000017407 /PMID: 9792860). Therefore, this variant is classified as Pathogenic according to the recommendation of ACMG/AMP guideline.

PreventionGenetics, part of Exact Sciences
Classification: Pathogenic for COL4A4-related condition. Last evaluated: 2022-12-20. Review status: criteria provided, single submitter. Criteria: ACMG Guidelines, 2015. Collection method: clinical testing. Allele origin: germline.
Comment: The COL4A4 c.4129C>T variant is predicted to result in premature protein termination (p.Arg1377*). This variant has been reported in the compound heterozygous or homozygous state in individuals with autosomal recessive Alport syndrome (Family AR18 in Boye et al 1998. PubMed ID: 9792860; Jayasinghe K et al 2020. PubMed ID: 32939031; Gillion V et al. 2018. PubMed ID: 29854973). This variant in the heterozygous state or compound heterozygous state has also been reported in individuals with hematuria (Buzza et al. 2003. PubMed ID: 12631110; Schrezenmeier et al. 2021. PubMed ID: 33712733; Zhang et al. 2020. PubMed ID: 31576025). This variant is reported in 0.0099% of alleles in individuals of Ashkenazi Jewish descent in gnomAD. Nonsense variants in COL4A4 are expected to be pathogenic. This variant is interpreted as pathogenic.